The following is an entry in ClinVar:

ClinVar aggregate classification (germline): Uncertain significance. Review status: criteria provided, multiple submitters, no conflicts (2 of 4 stars). 10 submissions from 10 submitters: Uncertain significance (7). 3 of the submissions do not count toward it. Last evaluated 2026-01-18.

Conditions:
CFTR-related disorder (CFTR-RD). Also called: CFTR-related disorders; CFTR-related condition. Identifiers: MedGen C5924204, MONDO:7770004.
Cystic fibrosis (CF). Also called: MUCOVISCIDOSIS. Identifiers: Orphanet 586, MedGen C0010674, MONDO:0009061, OMIM 219700. Disease mechanism: loss of function.

Allele frequency attached by ClinVar (database versions not stated): gnomAD exomes 0.00007 and 0.00011; gnomAD 0.00006; TOPMed 0.00009; ExAC 0.00003.
gnomAD v4.1: 165 of 1,613,440 alleles (0.01%); highest among the groups gnomAD compares: Non-Finnish European, 0.014%; no homozygotes.

Submissions (10):

Women's Health and Genetics/Laboratory Corporation of America, LabCorp
Classification: Uncertain significance. Last evaluated: 2026-01-18. Review status: criteria provided, single submitter. Criteria: LabCorp Variant Classification Summary - May 2015. Collection method: clinical testing. Allele origin: germline.
Comment: Variant summary: CFTR c.451C>A (p.Gln151Lys) results in a conservative amino acid change located in the ABC transporter type 1, transmembrane domain (IPR011527) of the encoded protein sequence. Algorithms developed to predict the effect of missense changes on protein structure and function are either unavailable or do not agree on the potential impact of this missense change. The variant allele was found at a frequency of 6.8e-05 in 250308 control chromosomes. This frequency is not significantly higher than estimated for disease-causing variants in CFTR, allowing no conclusion about variant significance. c.451C>A has been reported in the literature in the heterozygous or unknown state (2nd allele not specified) at least 1 individual affected with Congenital Bilateral Absence Of The Vas Deferens and at least 1 individual affected with chronic pancreatitis (e.g. Dorfman_2010, Saferali_2022, Litvinova_2023, Yang_2015); further it has also been associated with Congenital Bilateral Absence Of The Vas Deferens and bronchiectasis in at least 1 individual, respectively, in the CFTR-France database. These report(s) do not provide unequivocal conclusions about association of the variant with CFTR-related conditions. The most pronounced variant effect resulted in approximately 37.47% of normal chloride channel conductance relative to wild type (e.g., Bihler_2024). The following publications have been ascertained in the context of this evaluation (PMID: 20059485, 34996830, 38388235, 37389024, 26277102). ClinVar contains an entry for this variant (Variation ID: 53953). Based on the evidence outlined above, the variant was classified as VUS-possibly pathogenic.

Labcorp Genetics (formerly Invitae), Labcorp
Classification: Uncertain significance for Cystic fibrosis. Last evaluated: 2025-10-31. Review status: criteria provided, single submitter. Criteria: Invitae Variant Classification Sherloc (09022015). Collection method: clinical testing. Allele origin: germline.
Comment: This sequence change replaces glutamine, which is neutral and polar, with lysine, which is basic and polar, at codon 151 of the CFTR protein (p.Gln151Lys). This variant is present in population databases (rs397508720, gnomAD 0.02%). This missense change has been observed in individual(s) with clinical features of CFTR-related conditions (PMID: 26277102, 37389024). ClinVar contains an entry for this variant (Variation ID: 53953). Invitae Evidence Modeling of protein sequence and biophysical properties (such as structural, functional, and spatial information, amino acid conservation, physicochemical variation, residue mobility, and thermodynamic stability) indicates that this missense variant is expected to disrupt CFTR protein function with a positive predictive value of 80%. In summary, the available evidence is currently insufficient to determine the role of this variant in disease. Therefore, it has been classified as a Variant of Uncertain Significance.

ARUP Laboratories, Molecular Genetics and Genomics, ARUP Laboratories
Classification: Uncertain significance. Last evaluated: 2025-05-05. Review status: criteria provided, single submitter. Criteria: ARUP Molecular Germline Variant Investigation Process 2024. Collection method: clinical testing. Allele origin: germline.
Comment: The CFTR c.451C>A; p.Gln151Lys variant (rs397508720, ClinVar Variation ID: 53953) is reported in the literature in individuals affected with CFTR-related disorders (Dorfman 2010, Litvinova 2023, Yang 2015). This variant is found in the general population with an overall allele frequency of 0.0071% (20/281702 alleles) in the Genome Aggregation Database (v2.1.1). In vitro functional assay, in Fisher Rat Thyroid cells evaluating chloride channel conductance, demonstrates 37% of normal conductance compared to wildtype (Bihler 2024). Computational analyses are uncertain whether this variant is neutral or deleterious (REVEL: 0.700). Due to limited information, the clinical significance of the p.Gln151Lys variant is uncertain at this time. References: Bihler H et al. In vitro modulator responsiveness of 655 CFTR variants found in people with cystic fibrosis. J Cyst Fibros. 2024 Jul;23(4):664-675. PMID: 38388235. Dorfman R et al. Do common in silico tools predict the clinical consequences of amino-acid substitutions in the CFTR gene?. Clin Genet. 2010;77(5):464â€“473. PMID: 20059485. Litvinova MM et al. Spectrum of PRSS1, SPINK1, CTRC, CFTR, and CPA1 Gene Variants in Chronic Pancreatitis Patients in Russia. Sovrem Tekhnologii Med. 2023;15(2):60-70. PMID: 37389024. Yang X et al. Novel mutations and polymorphisms in the CFTR gene associated with three subtypes of congenital absence of vas deferens. Fertil Steril. 2015;104(5):1268â€“75.e752. PMID: 26277102.

Ambry Genetics
Classification: Uncertain significance for Cystic fibrosis. Last evaluated: 2024-01-10. Review status: criteria provided, single submitter. Criteria: Ambry Variant Classification Scheme 2023. Collection method: clinical testing. Allele origin: germline.
Comment: The p.Q151K variant (also known as c.451C>A), located in coding exon 4 of the CFTR gene, results from a C to A substitution at nucleotide position 451. The glutamine at codon 151 is replaced by lysine, an amino acid with similar properties. This variant was identified in a cohort of individual diagnosed with cystic fibrosis; however, complete genotype and phenotype information was not provided (Dorfman R et al. Clin. Genet., 2010 May;77:464-73). In addition, this variant was reported as associated with congenital absence of the vas deferens (CAVD) (Yang X et al. Fertil. Steril., 2015 Nov;104:1268-75.e1-2). This alteration was also identified in an individual diagnosed with chronic pancreatitis (Litvinova MM et al. Sovrem Tekhnologii Med, 2023 Mar;15:60-70). This amino acid position is well conserved in available vertebrate species. In addition, this alteration is predicted to be deleterious by in silico analysis. Based on available evidence to date, the clinical significance of this alteration remains unclear.

Genome-Nilou Lab
Classification: Uncertain significance for Cystic fibrosis. Last evaluated: 2021-09-05. Review status: criteria provided, single submitter. Criteria: ACMG Guidelines, 2015. Collection method: clinical testing. Allele origin: germline. Affected: no.

Eurofins Ntd Llc (ga)
Classification: Uncertain significance. Last evaluated: 2018-08-09. Review status: criteria provided, single submitter. Criteria: EGL ClinVar v180209 classification definitions. Collection method: clinical testing. Allele origin: germline. Observed: 1 variant allele, 1 heterozygote.

Illumina Laboratory Services, Illumina
Classification: Uncertain significance for CFTR-Related Disorders. Last evaluated: 2018-01-12. Review status: criteria provided, single submitter. Criteria: ICSL Variant Classification Criteria 13 December 2019. Collection method: clinical testing. Allele origin: germline.

Natera, Inc.
Classification: Uncertain significance for CFTR-related disorders. Last evaluated: 2018-05-28. Review status: no assertion criteria provided. Collection method: clinical testing. Allele origin: germline. Not counted in ClinVar's aggregate classification.

Clinical Genetics DNA and cytogenetics Diagnostics Lab, Erasmus MC, Erasmus Medical Center
Classification: Uncertain significance. Review status: no assertion criteria provided. Collection method: clinical testing. Allele origin: germline. Affected: yes. Study: VKGL Data-share Consensus. Not counted in ClinVar's aggregate classification.

Diagnostic Laboratory, Department of Genetics, University Medical Center Groningen
Classification: Uncertain significance. Review status: no assertion criteria provided. Collection method: clinical testing. Allele origin: germline. Affected: yes. Study: VKGL Data-share Consensus. Not counted in ClinVar's aggregate classification.

Literature cited by the submitters: PubMed 20059485 (cited by Women's Health and Genetics/Laboratory Corporation of America, LabCorp and Ambry Genetics); PubMed 26277102 (cited by 3 submitters); PubMed 34996830 (cited by Women's Health and Genetics/Laboratory Corporation of America, LabCorp); PubMed 38388235 (cited by Women's Health and Genetics/Laboratory Corporation of America, LabCorp); PubMed 37389024 (cited by 3 submitters).

NM_000492.4(CFTR):c.451C>A (p.Gln151Lys)

Gene: CFTR (CF transmembrane conductance regulator; plus strand). Cytogenetic location: 7q31.2.
Variant type: single nucleotide variant.
Coding change: c.451C>A on transcript NM_000492.4 (MANE Select); coding-DNA position 451, C replaced by A.
Protein change: p.Gln151Lys; replaces glutamine 151 with lysine.
Molecular consequence: missense variant.
Genome position (GRCh38, 1-based): chr7:117,531,076, C>A. VCF-style: chr7-117531076-C-A. GRCh37 (hg19) VCF-style: chr7-117171130-C-A.
Other names: short protein forms Q151K.
Identifiers: ClinVar variation 53953 (VCV000053953.77), dbSNP rs397508720, ClinGen allele CA327496.
Genomic context (GRCh38, chr7:117,531,076, plus strand): 5'-TTTATTGTGAGGACACTGCTCCTACACCCAGCCATTTTTGGCCTTCATCACATTGGAATG[C>A]AGATGAGAATAGCTATGTTTAGTTTGATTTATAAGAAGGTAATACTTCCTTGCACAGGCC-3'
Protein context (NP_000483.3, residues 141-161): AIFGLHHIGM[Gln151Lys]MRIAMFSLIY